The following is an entry in ClinVar:

ClinVar aggregate classification (germline): Uncertain significance (1 of 4 stars; one submission).

Conditions:
Inborn genetic diseases. Identifiers: MedGen C0950123, MeSH D030342.

Submission:

Ambry Genetics
Classification: Uncertain significance for Inborn genetic diseases. Last evaluated: 2026-07-06. Review status: criteria provided, single submitter. Criteria: Ambry Variant Classification Scheme 2023. Collection method: clinical testing. Allele origin: germline.
Comment: The p.P386T variant (also known as c.1156C>A), located in coding exon 8 of the RUNX1 gene, results from a C to A substitution at nucleotide position 1156. The proline at codon 386 is replaced by threonine, an amino acid with highly similar properties. This amino acid position is conserved. In addition, this alteration is predicted to be tolerated by in silico analysis. Based on the available evidence, the clinical significance of this variant remains unclear.

NM_001754.5(RUNX1):c.1156C>A (p.Pro386Thr)

Gene: RUNX1 (RUNX family transcription factor 1; minus strand). Cytogenetic location: 21q22.12.
Variant type: single nucleotide variant.
Coding change: c.1156C>A on transcript NM_001754.5 (MANE Select); coding-DNA position 1156, C replaced by A.
Protein change: p.Pro386Thr; replaces proline 386 with threonine.
Molecular consequence: missense variant.
Genome position (GRCh38, 1-based): chr21:34,792,422, G>T on the plus strand (C>A on the coding strand, the complement: RUNX1 is on the minus strand). VCF-style: chr21-34792422-G-T. GRCh37 (hg19) VCF-style: chr21-36164719-G-T.
Other names: c.1075C>A, p.Pro359Thr (NM_001001890.3); short protein forms P386T, P359T.
Identifiers: ClinVar variation 5028576 (VCV005028576.1).